The following is an entry in ClinVar:

ClinVar aggregate classification (germline): Uncertain significance (1 of 4 stars; one submission).

Conditions:
PLXNA3-related disorder. Also called: PLXNA3-related condition.

Submission:

PreventionGenetics, part of Exact Sciences
Classification: Uncertain significance for PLXNA3-related condition. Last evaluated: 2026-06-16. Review status: criteria provided, single submitter. Criteria: ACMG Guidelines, 2015. Collection method: clinical testing. Allele origin: germline.
Comment: The PLXNA3 c.4376C>G variant is predicted to result in the amino acid substitution p.Ala1459Gly. To our knowledge, this variant has not been reported in the literature or in a large population database (gnomAD), indicating this variant is rare. At this time, the clinical significance of this variant is uncertain due to the absence of conclusive functional and genetic evidence.

NM_017514.5(PLXNA3):c.4376C>G (p.Ala1459Gly)

Gene: PLXNA3 (plexin A3; plus strand). Cytogenetic location: Xq28.
Variant type: single nucleotide variant.
Coding change: c.4376C>G on transcript NM_017514.5 (MANE Select); coding-DNA position 4376, C replaced by G.
Protein change: p.Ala1459Gly; replaces alanine 1459 with glycine.
Molecular consequence: missense variant.
Genome position (GRCh38, 1-based): chrX:154,468,911, C>G. VCF-style: chrX-154468911-C-G. GRCh37 (hg19) VCF-style: chrX-153697254-C-G.
Other names: short protein forms A1459G.
Identifiers: ClinVar variation 4995468 (VCV004995468.1).